The following is an entry in ClinVar:

NM_001267550.2(TTN):c.40141+6C>T

Gene: TTN (titin; minus strand). Cytogenetic location: 2q31.2.
Variant type: single nucleotide variant.
Coding change: c.40141+6C>T on transcript NM_001267550.2 (MANE Select); 6 bases into the intron after coding-DNA position 40141, C replaced by T.
Molecular consequence: intron variant.
Genome position (GRCh38, 1-based): chr2:178,647,375, G>A on the plus strand (C>T on the coding strand, the complement: TTN is on the minus strand). VCF-style: chr2-178647375-G-A. GRCh37 (hg19) VCF-style: chr2-179512102-G-A.
Other names: c.13283-5058C>T (NM_003319.4); c.13859-5058C>T (NM_133437.4); c.13658-5058C>T (NM_133432.3); c.32594-1345C>T (NM_133378.4); c.35375-1345C>T (NM_001256850.1).
Identifiers: ClinVar variation 535281 (VCV000535281.7), dbSNP rs750448649, ClinGen allele CA1996538.

ClinVar aggregate classification (germline): Conflicting classifications of pathogenicity. Review status: criteria provided, conflicting classifications (1 of 4 stars). 4 submissions from 4 submitters: Uncertain significance (2); Likely benign (1). 1 of the submissions does not count toward it. Last evaluated 2024-02-28.

Conditions:
TTN-related disorder. Also called: TTN-related condition; TTN-related disease; TTN-related disorders.
Dilated cardiomyopathy 1G (CMD1G). Identifiers: Orphanet 154, MedGen C1858763, MONDO:0011400, OMIM 604145.
Autosomal recessive limb-girdle muscular dystrophy type 2J (LGMDR10). Also called: Limb-girdle muscular dystrophy, type 2J; MUSCULAR DYSTROPHY, LIMB-GIRDLE, AUTOSOMAL RECESSIVE 10. Identifiers: Orphanet 140922, MedGen C1837342, MONDO:0012127, OMIM 608807.
Myopathy, myofibrillar, 9, with early respiratory failure (MFM9). Also called: Hereditary myopathy with early respiratory failure; MYOPATHY, PROXIMAL, WITH EARLY RESPIRATORY MUSCLE INVOLVEMENT; Myopathy, distal, with early respiratory failure, autosomal dominant; EDSTROM MYOPATHY. Identifiers: Orphanet 178464, Orphanet 34521, MedGen C1863599, MONDO:0011362, OMIM 603689.
Early-onset myopathy with fatal cardiomyopathy (CMYO5). Also called: CONGENITAL MYOPATHY 5 WITH CARDIOMYOPATHY; Salih Myopathy. Identifiers: Orphanet 289377, MedGen C2673677, MONDO:0012714, OMIM 611705. Disease mechanism: loss of function.
Tibial muscular dystrophy (TMD). Also called: UDD MYOPATHY; Udd Distal Myopathy – Tibial Muscular Dystrophy; Tibial muscular dystrophy, tardive. Identifiers: Orphanet 609, MedGen C1838244, MONDO:0010870, OMIM 600334.
Hypertrophic cardiomyopathy 9. Also called: Familial hypertrophic cardiomyopathy 9. Identifiers: MedGen C1861065, MONDO:0013412, OMIM 613765.

Allele frequency attached by ClinVar (database versions not stated): TOPMed 0.00003; ExAC 0.00006; gnomAD exomes 0.00007 and 0.00013.
gnomAD v4.1: 180 of 1,549,346 alleles (0.012%); highest among the groups gnomAD compares: Non-Finnish European, 0.015%; no homozygotes.

Submissions (4):

Blueprint Genetics
Classification: Likely benign. Last evaluated: 2024-02-28. Review status: criteria provided, single submitter. Criteria: ACMG Guidelines, 2015. Collection method: clinical testing. Allele origin: germline.

Fulgent Genetics
Classification: Uncertain significance for Tibial muscular dystrophy; Myopathy, myofibrillar, 9, with early respiratory failure; Dilated cardiomyopathy 1G; Autosomal recessive limb-girdle muscular dystrophy type 2J; Early-onset myopathy with fatal cardiomyopathy; Hypertrophic cardiomyopathy 9. Last evaluated: 2021-10-14. Review status: criteria provided, single submitter. Criteria: ACMG Guidelines, 2015. Collection method: clinical testing. Allele origin: unknown.

Labcorp Genetics (formerly Invitae), Labcorp
Classification: Uncertain significance for Dilated cardiomyopathy 1G; Autosomal recessive limb-girdle muscular dystrophy type 2J. Last evaluated: 2017-10-24. Review status: criteria provided, single submitter. Criteria: Invitae Variant Classification Sherloc (09022015). Collection method: clinical testing. Allele origin: germline.

PreventionGenetics, part of Exact Sciences
Classification: Likely benign for TTN-related condition. Last evaluated: 2022-04-18. Review status: no assertion criteria provided. Collection method: clinical testing. Allele origin: germline. Not counted in ClinVar's aggregate classification.
Comment: This variant is classified as likely benign based on ACMG/AMP sequence variant interpretation guidelines (Richards et al. 2015 PMID: 25741868, with internal and published modifications).